The following is an entry in ClinVar:

ClinVar aggregate classification (germline): Pathogenic (1 of 4 stars; one submission).

Conditions:
Autosomal recessive primary microcephaly. Identifiers: Orphanet 2512, MedGen C3711387, MONDO:0016660.

Submission:

Women's Health and Genetics/Laboratory Corporation of America, LabCorp
Classification: Pathogenic for Autosomal recessive primary microcephaly. Last evaluated: 2026-03-06. Review status: criteria provided, single submitter. Criteria: LabCorp Variant Classification Summary - May 2015. Collection method: clinical testing. Allele origin: germline.
Comment: Variant summary: MCPH1 c.2021C>G (p.Ser674X) results in a premature termination codon, predicted to cause a truncation of the encoded protein or absence of the protein due to nonsense mediated decay, which are commonly known mechanisms for disease. The variant was absent in 249582 control chromosomes. To our knowledge, no occurrence of c.2021C>G in individuals affected with MCPH1-related conditions and no experimental evidence demonstrating its impact on protein function have been reported. No submitters have cited clinical-significance assessments for this variant to ClinVar. Based on the evidence outlined above, the variant was classified as pathogenic.

NM_024596.5(MCPH1):c.2021C>G (p.Ser674Ter)

Gene: MCPH1 (microcephalin 1; plus strand). Cytogenetic location: 8p23.1.
Variant type: single nucleotide variant.
Coding change: c.2021C>G on transcript NM_024596.5 (MANE Select); coding-DNA position 2021, C replaced by G.
Protein change: p.Ser674Ter; replaces serine 674 with a stop codon.
Molecular consequence: nonsense. On other transcripts: intron variant (1).
Genome position (GRCh38, 1-based): chr8:6,480,761, C>G. VCF-style: chr8-6480761-C-G. GRCh37 (hg19) VCF-style: chr8-6338282-C-G.
Other names: c.2021C>G, p.Ser674Ter (NM_001322042.2, NM_001363979.1, NM_001410916.1 and 1 more transcripts); c.1935+25509C>G (NM_001363980.2); short protein forms S674*.
Identifiers: ClinVar variation 4847425 (VCV004847425.1).